The following is an entry in ClinVar:

NM_001540.5(HSPB1):c.551C>T (p.Thr184Ile)

Gene: HSPB1 (heat shock protein family B (small) member 1; plus strand). Cytogenetic location: 7q11.23.
Variant type: single nucleotide variant.
Coding change: c.551C>T on transcript NM_001540.5 (MANE Select); coding-DNA position 551, C replaced by T.
Protein change: p.Thr184Ile; replaces threonine 184 with isoleucine.
Molecular consequence: missense variant.
Genome position (GRCh38, 1-based): chr7:76,304,106, C>T. VCF-style: chr7-76304106-C-T. GRCh37 (hg19) VCF-style: chr7-75933423-C-T.
Other names: short protein forms T184I.
Identifiers: ClinVar variation 942735 (VCV000942735.9), dbSNP rs1803072212, ClinGen allele CA367766395.

ClinVar aggregate classification (germline): Uncertain significance (1 of 4 stars; one submission).

Conditions:
Charcot-Marie-Tooth disease axonal type 2F (CMT2F). Also called: Charcot-Marie-Tooth Neuropathy Type 2F; CHARCOT-MARIE-TOOTH DISEASE, NEURONAL, TYPE 2F. Identifiers: Orphanet 99940, MedGen C1847823, MONDO:0011687, OMIM 606595.

Allele frequency attached by ClinVar (database versions not stated): gnomAD exomes below 0.00001.
gnomAD v4.1: 1 of 1,613,710 alleles (0.000062%); highest among the groups gnomAD compares: Non-Finnish European, 0.000085%; no homozygotes.

Submission:

Labcorp Genetics (formerly Invitae), Labcorp
Classification: Uncertain significance for Charcot-Marie-Tooth disease axonal type 2F. Last evaluated: 2019-10-12. Review status: criteria provided, single submitter. Criteria: Invitae Variant Classification Sherloc (09022015). Collection method: clinical testing. Allele origin: germline.
Comment: Algorithms developed to predict the effect of missense changes on protein structure and function are either unavailable or do not agree on the potential impact of this missense change (SIFT: "Deleterious"; PolyPhen-2: "Benign"; Align-GVGD: "Class C0"). This sequence change replaces threonine with isoleucine at codon 184 of the HSPB1 protein (p.Thr184Ile). The threonine residue is highly conserved and there is a moderate physicochemical difference between threonine and isoleucine. This variant is not present in population databases (ExAC no frequency). This variant has not been reported in the literature in individuals with HSPB1-related conditions. In summary, the available evidence is currently insufficient to determine the role of this variant in disease. Therefore, it has been classified as a Variant of Uncertain Significance.